The following is an entry in ClinVar:

ClinVar aggregate classification (germline): Uncertain significance (1 of 4 stars; one submission).

Conditions:
CHARGE syndrome (CHARGE). Also called: Hittner Hirsch Kreh syndrome; CHARGE ASSOCIATION--COLOBOMA, HEART ANOMALY, CHOANAL ATRESIA, RETARDATION, GENITAL AND EAR ANOMALIES; Coloboma, heart anomaly, choanal atresia, retardation, genital and ear anomalies; CHARGE association; Hall-Hittner syndrome. Identifiers: Orphanet 138, MedGen C0265354, MONDO:0008965.

Submission:

Labcorp Genetics (formerly Invitae), Labcorp
Classification: Uncertain significance for CHARGE syndrome. Last evaluated: 2024-09-17. Review status: criteria provided, single submitter. Criteria: Invitae Variant Classification Sherloc (09022015). Collection method: clinical testing. Allele origin: germline.
Comment: This sequence change replaces lysine, which is basic and polar, with arginine, which is basic and polar, at codon 2005 of the CHD7 protein (p.Lys2005Arg). This variant is not present in population databases (gnomAD no frequency). This variant has not been reported in the literature in individuals affected with CHD7-related conditions. Invitae Evidence Modeling of protein sequence and biophysical properties (such as structural, functional, and spatial information, amino acid conservation, physicochemical variation, residue mobility, and thermodynamic stability) indicates that this missense variant is not expected to disrupt CHD7 protein function with a negative predictive value of 95%. In summary, the available evidence is currently insufficient to determine the role of this variant in disease. Therefore, it has been classified as a Variant of Uncertain Significance.

NM_017780.4(CHD7):c.6014A>G (p.Lys2005Arg)

Gene: CHD7 (chromodomain helicase DNA binding protein 7; plus strand). Cytogenetic location: 8q12.2.
Variant type: single nucleotide variant.
Coding change: c.6014A>G on transcript NM_017780.4 (MANE Select); coding-DNA position 6014, A replaced by G.
Protein change: p.Lys2005Arg; replaces lysine 2005 with arginine.
Molecular consequence: missense variant. On other transcripts: intron variant (1).
Genome position (GRCh38, 1-based): chr8:60,852,617, A>G. VCF-style: chr8-60852617-A-G. GRCh37 (hg19) VCF-style: chr8-61765176-A-G.
Other names: c.1717-9612A>G (NM_001316690.1); short protein forms K2005R.
Identifiers: ClinVar variation 3717622 (VCV003717622.2).